The following is an entry in ClinVar:

NM_014921.5(ADGRL1):c.1669C>T (p.Arg557Trp)

Genes: ADGRL1 (adhesion G protein-coupled receptor L1; minus strand), ADGRL1-AS1 (ADGRL1 antisense RNA 1; plus strand). Cytogenetic location: 19p13.12.
Variant type: single nucleotide variant.
Coding change: c.1669C>T on transcript NM_014921.5 (MANE Select); coding-DNA position 1669, C replaced by T.
Protein change: p.Arg557Trp; replaces arginine 557 with tryptophan.
Molecular consequence: missense variant.
Genome position (GRCh38, 1-based): chr19:14,160,243, G>A on the plus strand (C>T on the coding strand, the complement: ADGRL1 is on the minus strand). VCF-style: chr19-14160243-G-A. GRCh37 (hg19) VCF-style: chr19-14271055-G-A.
Other names: c.1684C>T (NM_001008701.2); c.1684C>T, p.Arg562Trp (NM_001008701.3); short protein forms R557W, R562W.
Identifiers: ClinVar variation 3717298 (VCV003717298.3).

ClinVar aggregate classification (germline): Uncertain significance. Review status: criteria provided, multiple submitters, no conflicts (2 of 4 stars). 2 submissions from 2 submitters: Uncertain significance (2). Last evaluated 2025-12-15.

Conditions:
Inborn genetic diseases. Identifiers: MedGen C0950123, MeSH D030342.

gnomAD v4.1: 6 of 1,597,284 alleles (0.00038%); highest among the groups gnomAD compares: South Asian, 0.0022%; no homozygotes.

Submissions (2):

Ambry Genetics
Classification: Uncertain significance for Inborn genetic diseases. Last evaluated: 2025-12-15. Review status: criteria provided, single submitter. Criteria: Ambry Variant Classification Scheme 2023. Collection method: clinical testing. Allele origin: germline.
Comment: The c.1684C>T (p.R562W) alteration is located in exon 9 (coding exon 8) of the ADGRL1 gene. This alteration results from a C to T substitution at nucleotide position 1684, causing the arginine (R) at amino acid position 562 to be replaced by a tryptophan (W). Based on data from gnomAD, the T allele has an overall frequency of 0.001% (2/279984) total alleles studied. The highest observed frequency was 0.002% (2/127352) of European (non-Finnish) alleles. Based on insufficient or conflicting evidence, the clinical significance of this alteration remains unclear.

Labcorp Genetics (formerly Invitae), Labcorp
Classification: Uncertain significance. Last evaluated: 2024-09-15. Review status: criteria provided, single submitter. Criteria: Invitae Variant Classification Sherloc (09022015). Collection method: clinical testing. Allele origin: germline.
Comment: This sequence change replaces arginine, which is basic and polar, with tryptophan, which is neutral and slightly polar, at codon 562 of the ADGRL1 protein (p.Arg562Trp). This variant is present in population databases (no rsID available, gnomAD 0.002%). This variant has not been reported in the literature in individuals affected with ADGRL1-related conditions. An algorithm developed to predict the effect of missense changes on protein structure and function (PolyPhen-2) suggests that this variant is likely to be disruptive. In summary, the available evidence is currently insufficient to determine the role of this variant in disease. Therefore, it has been classified as a Variant of Uncertain Significance.